The following is an entry in ClinVar:

ClinVar aggregate classification (germline): Pathogenic (1 of 4 stars; one submission).

Conditions:
Progressive sclerosing poliodystrophy (MTDPS4A). Also called: Alpers-Huttenlocher Syndrome (AHS); Alpers Syndrome; ALPERS PROGRESSIVE INFANTILE POLIODYSTROPHY; Mitochondrial DNA depletion syndrome 4A (Alpers type); ALPERS DIFFUSE DEGENERATION OF CEREBRAL GRAY MATTER WITH HEPATIC CIRRHOSIS; Alpers-Huttenlocher Syndrome. Identifiers: Orphanet 726, MedGen C0205710, MONDO:0008758, OMIM 203700.

Submission:

Wong Mito Lab, Molecular and Human Genetics, Baylor College of Medicine
Classification: Pathogenic for Progressive sclerosing poliodystrophy. Last evaluated: 2018-10-01. Review status: criteria provided, single submitter. Criteria: ACMG Guidelines, 2015. Collection method: clinical testing. Allele origin: germline.
Comment: The NM_002693.2:c.2426+1G>C (NP_002684.1:p.=) [GRCH38: NC_000015.10:g.89322741C>G] variant in POLG gene is interpretated to be a Pathogenic based on ACMG guidelines (PMID: 25741868). This variant meets the following evidence codes reported in the ACMG-guideline. PVS1:This variant is a predicted null variant in POLG where loss of function is a known mechanism of disease. PM2:This variant is absent in key population databases. PM3:Detected in trans with a pathogenic variant for Mitochondrial DNA depletion syndrome 4A (Alpers type) which is a recessive disorder. PM4:This variant causes alteration in the length of expressed protein. PP1:This variant is co-segregated with Mitochondrial DNA depletion syndrome 4A (Alpers type) in multiple affected family members. PP4:Patient's phenotype or family history is highly specific for POLG. Based on the evidence criteria codes applied, the variant is suggested to be Pathogenic.

NM_002693.3(POLG):c.2426+1G>C

Gene: POLG (DNA polymerase gamma, catalytic subunit; minus strand). Cytogenetic location: 15q26.1.
Variant type: single nucleotide variant.
Coding change: c.2426+1G>C on transcript NM_002693.3 (MANE Select); the canonical splice donor site of the intron after coding-DNA position 2426, G replaced by C.
Molecular consequence: splice donor variant.
Genome position (GRCh38, 1-based): chr15:89,322,741, C>G on the plus strand (G>C on the coding strand, the complement: POLG is on the minus strand). VCF-style: chr15-89322741-C-G. GRCh37 (hg19) VCF-style: chr15-89865972-C-G.
Other names: c.2426+1G>C (NM_001126131.2).
Identifiers: ClinVar variation 619399 (VCV000619399.1), dbSNP rs1567187745, ClinGen allele CA10602226.
Genomic context (GRCh38, chr15:89,322,741, plus strand): 5'-GGGGTCCCTGGGTGGGAAGAGAGGGGAAAGGCATCCCAGGACTCCTCCCATGGTGGCCCA[C>G]CTGATACGTTTATGGGCGTTCCTCCAGAAAGAAATCATTTTGTTGATTTCCAGAGCACGG-3'